The following is an entry in ClinVar:

NM_001278669.2(NFATC1):c.1113CTC[1] (p.Ser373del)

Gene: NFATC1 (nuclear factor of activated T cells 1; plus strand). Cytogenetic location: 18q23.
Variant type: Microsatellite.
Coding change: c.1113CTC[1] on transcript NM_001278669.2 (MANE Select); one copy of the 3-base unit CTC starting at c.1113; the reference has two copies in a row; one copy, 3 bases deleted.
Protein change: p.Ser373del; deletes serine 373.
Molecular consequence: inframe deletion. On other transcripts: intron variant (2).
Genome position (GRCh38, 1-based): chr18:79,411,391-79,411,393, CTC deleted; deleting any 3 consecutive bases within chr18:79,411,388-79,411,393 gives the same sequence; the position shown is the placement nearest the transcript's 3' end. VCF-style (leftmost placement, unchanged base first): chr18-79411387-ACTC-A. GRCh37 (hg19) VCF-style: chr18-77171387-ACTC-A.
Other names: c.1113CTC[1], p.Ser373del (NM_001278670.2, NM_006162.5, NM_172390.3); c.1074CTC[1], p.Ser360del (NM_001278672.2, NM_001278675.2, NM_172387.3 and 1 more transcripts); c.-191+15040_-191+15042del (NM_172388.3); c.-191+10912_-191+10914del (NM_001278673.2); short protein forms S360del, S373del.
Identifiers: ClinVar variation 1371631 (VCV001371631.9), dbSNP rs757200440, ClinGen allele CA9009043.
Genomic context (GRCh38, chr18:79,411,387, plus strand): 5'-AGCCCGTCGGGGAGGACCTGGGCAGCCCCCCGCCCCCGGCCGACTTCGCGCCCGAAGACT[ACTC>A]CTCTTTCCAGCACATCAGGAAGGGCGGCTTCTGCGACCAGTACCTGGCGGTGCCGCAGCA-3'

ClinVar aggregate classification (germline): Uncertain significance. Review status: criteria provided, multiple submitters, no conflicts (2 of 4 stars). 2 submissions from 2 submitters: Uncertain significance (2). Last evaluated 2026-01-22.

Submissions (2):

Labcorp Genetics (formerly Invitae), Labcorp
Classification: Uncertain significance. Last evaluated: 2026-01-22. Review status: criteria provided, single submitter. Criteria: Invitae Variant Classification Sherloc (09022015). Collection method: clinical testing. Allele origin: germline.
Comment: This variant, c.1116_1118del, results in the deletion of 1 amino acid(s) of the NFATC1 protein (p.Ser373del), but otherwise preserves the integrity of the reading frame. This variant is present in population databases (rs757200440, gnomAD 0.07%), and has an allele count higher than expected for a pathogenic variant. This variant has not been reported in the literature in individuals affected with NFATC1-related conditions. Experimental studies and prediction algorithms are not available or were not evaluated, and the functional significance of this variant is currently unknown. In summary, the available evidence is currently insufficient to determine the role of this variant in disease. Therefore, it has been classified as a Variant of Uncertain Significance.

Breakthrough Genomics
Classification: Uncertain significance. Review status: criteria provided, single submitter. Criteria: ACMG Guidelines, 2015. Collection method: not provided. Allele origin: germline. Inheritance: Unknown mechanism. Affected: yes.